The following is an entry in ClinVar:

ClinVar aggregate classification (germline): Likely benign. Review status: criteria provided, multiple submitters, no conflicts (2 of 4 stars). 3 submissions from 3 submitters: Likely benign (3). Last evaluated 2025-12-19.

Conditions:
ATP2B2-related disorder. Also called: ATP2B2-related condition.

Allele frequency attached by ClinVar (database versions not stated): TOPMed 0.00005; gnomAD exomes 0.00006 and 0.00007; ExAC 0.00009; gnomAD 0.00009 and 0.00010.
gnomAD v4.1: 100 of 1,613,600 alleles (0.0062%); highest among the groups gnomAD compares: Non-Finnish European, 0.0075%; no homozygotes.

Submissions (3):

Labcorp Genetics (formerly Invitae), Labcorp
Classification: Likely benign. Last evaluated: 2025-12-19. Review status: criteria provided, single submitter. Criteria: Invitae Variant Classification Sherloc (09022015). Collection method: clinical testing. Allele origin: germline.

PreventionGenetics, part of Exact Sciences
Classification: Likely benign for ATP2B2-related condition. Last evaluated: 2025-07-11. Review status: criteria provided, single submitter. Criteria: ACMG Guidelines, 2015. Collection method: clinical testing. Allele origin: germline.
Comment: This variant is classified as likely benign based on ACMG/AMP sequence variant interpretation guidelines (Richards et al. 2015 PMID: 25741868, with internal and published modifications).

CeGaT Center for Human Genetics Tuebingen
Classification: Likely benign. Last evaluated: 2024-02-01. Review status: criteria provided, single submitter. Criteria: CeGaT Center For Human Genetics Tuebingen Variant Classification Criteria Version 2. Collection method: clinical testing. Allele origin: germline. Affected: yes. Observed: 1 variant allele.
Comment: ATP2B2: BP4, BP7

NM_001001331.4(ATP2B2):c.1347G>A (p.Thr449=)

Gene: ATP2B2 (ATPase plasma membrane Ca2+ transporting 2; minus strand). Cytogenetic location: 3p25.3.
Variant type: single nucleotide variant.
Coding change: c.1347G>A on transcript NM_001001331.4 (MANE Select); coding-DNA position 1347, G replaced by A.
Protein change: p.Thr449=; no amino-acid change (threonine 449 retained).
Molecular consequence: synonymous variant.
Genome position (GRCh38, 1-based): chr3:10,375,499, C>T on the plus strand (G>A on the coding strand, the complement: ATP2B2 is on the minus strand). VCF-style: chr3-10375499-C-T. GRCh37 (hg19) VCF-style: chr3-10417183-C-T.
Other names: c.1212G>A (NM_001683.3); c.1212G>A, p.Thr404= (NM_001330611.3, NM_001353564.1, NM_001363862.1 and 1 more transcripts).
Identifiers: ClinVar variation 1664262 (VCV001664262.32), dbSNP rs778264519, ClinGen allele CA2253690.